The following is an entry in ClinVar:

ClinVar aggregate classification (germline): Pathogenic (1 of 4 stars; one submission).

Submission:

Labcorp Genetics (formerly Invitae), Labcorp
Classification: Pathogenic. Last evaluated: 2021-10-14. Review status: criteria provided, single submitter. Criteria: Invitae Variant Classification Sherloc (09022015). Collection method: clinical testing. Allele origin: germline.
Comment: For these reasons, this variant has been classified as Pathogenic. This variant has not been reported in the literature in individuals affected with SORL1-related conditions. This variant is not present in population databases (ExAC no frequency). This sequence change creates a premature translational stop signal (p.Glu288Lysfs*5) in the SORL1 gene. It is expected to result in an absent or disrupted protein product. Loss-of-function variants in SORL1 are known to be pathogenic (PMID: 26303663, 27026413).

Literature cited by the submitters: PubMed 26303663; PubMed 27026413.

NM_003105.6(SORL1):c.862del (p.Glu288fs)

Gene: SORL1 (sortilin related receptor 1; plus strand). Cytogenetic location: 11q24.1.
Variant type: Deletion.
Coding change: c.862del on transcript NM_003105.6 (MANE Select); coding-DNA position 862, one base deleted (G; older notation c.862delG).
Protein change: p.Glu288fs; shifts the reading frame from glutamic acid 288.
Molecular consequence: frameshift variant.
Genome position (GRCh38, 1-based): chr11:121,496,972, G deleted; the last of 3 consecutive G bases (chr11:121,496,970-121,496,972); deleting any one gives the same sequence. VCF-style (leftmost placement, unchanged base first): chr11-121496969-CG-C. GRCh37 (hg19) VCF-style: chr11-121367678-CG-C.
Other names: short protein forms E288fs.
Identifiers: ClinVar variation 1439318 (VCV001439318.6), dbSNP rs2134823550, ClinGen allele CA2573146949.
Genomic context (GRCh38, chr11:121,496,969, plus strand): 5'-GAACGACATGAACCCTCTGGCTACTCCACTGTCTTCCGAAGTACAGATTTCTTCCAGTCC[CG>C]GGAAAACCAGGAAGTGATCCTTGAGGAAGTGAGAGATTTTCAGCTTCGGGACAAGTACAT-3'